The following is an entry in ClinVar:

ClinVar aggregate classification (germline): Conflicting classifications of pathogenicity. Review status: criteria provided, conflicting classifications (1 of 4 stars). 3 submissions from 3 submitters: Uncertain significance (1); Likely benign (2). Last evaluated 2025-06-12.

Conditions:
Inborn genetic diseases. Identifiers: MedGen C0950123, MeSH D030342.
Hypouricemia, renal, 2. Also called: HYPOURICEMIA, RENAL, 2, AUTOSOMAL DOMINANT; HYPOURICEMIA, RENAL, 2, AUTOSOMAL RECESSIVE. Identifiers: MedGen C2677549, MONDO:0012793, OMIM 612076.

Allele frequency attached by ClinVar (database versions not stated): ExAC 0.00009; gnomAD exomes 0.00011 and 0.00016; ESP Exome Variant Server 0.00015; TOPMed 0.00015; gnomAD 0.00016 and 0.00017; 1000 Genomes Project 0.00020; 1000 Genomes Project 30x 0.00031.
gnomAD v4.1: 272 of 1,614,158 alleles (0.017%); highest among the groups gnomAD compares: African/African-American, 0.037%; 1 homozygote.

Submissions (3):

Labcorp Genetics (formerly Invitae), Labcorp
Classification: Uncertain significance. Last evaluated: 2025-06-12. Review status: criteria provided, single submitter. Criteria: Invitae Variant Classification Sherloc (09022015). Collection method: clinical testing. Allele origin: germline.
Comment: This sequence change replaces arginine, which is basic and polar, with cysteine, which is neutral and slightly polar, at codon 300 of the SLC2A9 protein (p.Arg300Cys). This variant is present in population databases (rs74651202, gnomAD 0.02%). This variant has not been reported in the literature in individuals affected with SLC2A9-related conditions. ClinVar contains an entry for this variant (Variation ID: 350211). An algorithm developed to predict the effect of missense changes on protein structure and function outputs the following: PolyPhen-2: "Benign". The cysteine amino acid residue is found in multiple mammalian species, which suggests that this missense change does not adversely affect protein function. In summary, the available evidence is currently insufficient to determine the role of this variant in disease. Therefore, it has been classified as a Variant of Uncertain Significance.

Ambry Genetics
Classification: Likely benign for Inborn genetic diseases. Last evaluated: 2022-09-22. Review status: criteria provided, single submitter. Criteria: Ambry Variant Classification Scheme 2023. Collection method: clinical testing. Allele origin: germline.

Illumina Laboratory Services, Illumina
Classification: Likely benign for Hypouricemia, renal, 2. Last evaluated: 2017-04-27. Review status: criteria provided, single submitter. Criteria: ICSL Variant Classification Criteria 13 December 2019. Collection method: clinical testing. Allele origin: germline.
Comment: This variant was observed as part of a predisposition screen in an ostensibly healthy population. A literature search was performed for the gene, cDNA change, and amino acid change (where applicable). No publications were found based on this search. Allele frequency data from public databases allowed determination this variant is unlikely to cause disease. Therefore, this variant is classified as likely benign.

NM_020041.3(SLC2A9):c.898C>T (p.Arg300Cys)

Gene: SLC2A9 (solute carrier family 2 member 9; minus strand). Cytogenetic location: 4p16.1.
Variant type: single nucleotide variant.
Coding change: c.898C>T on transcript NM_020041.3 (MANE Select); coding-DNA position 898, C replaced by T.
Protein change: p.Arg300Cys; replaces arginine 300 with cysteine.
Molecular consequence: missense variant.
Genome position (GRCh38, 1-based): chr4:9,920,489, G>A on the plus strand (C>T on the coding strand, the complement: SLC2A9 is on the minus strand). VCF-style: chr4-9920489-G-A. GRCh37 (hg19) VCF-style: chr4-9922113-G-A.
Other names: c.811C>T, p.Arg271Cys (NM_001001290.2); short protein forms R300C, R271C.
Identifiers: ClinVar variation 350211 (VCV000350211.8), dbSNP rs74651202, ClinGen allele CA2857043.
Genomic context (GRCh38, chr4:9,920,489, plus strand): 5'-CGGTGACCACCTGCCAGCGGACGTAGGGAGCTCTCAGCAGCTCCAGCACGGACACCAGGC[G>A]GATGCTCCTCTGCACGCGGCTCTCAGCCAGGACCTCCTCTACCTCTTGGGAAACGTCTGC-3'
Protein context (NP_064425.2, residues 290-310): LAESRVQRSI[Arg300Cys]LVSVLELLRA